The following is an entry in ClinVar:

ClinVar aggregate classification (germline): Uncertain significance (1 of 4 stars; one submission).

Conditions:
Inborn genetic diseases. Identifiers: MedGen C0950123, MeSH D030342.

Submission:

Ambry Genetics
Classification: Uncertain significance for Inborn genetic diseases. Last evaluated: 2021-10-25. Review status: criteria provided, single submitter. Criteria: Ambry Variant Classification Scheme 2023. Collection method: clinical testing. Allele origin: germline.
Comment: The p.I273F variant (also known as c.817A>T), located in coding exon 10 of the ERCC2 gene, results from an A to T substitution at nucleotide position 817. The isoleucine at codon 273 is replaced by phenylalanine, an amino acid with highly similar properties. This amino acid position is conserved. In addition, the in silico prediction for this alteration is inconclusive. Since supporting evidence is limited at this time, the clinical significance of this alteration remains unclear.

NM_000400.4(ERCC2):c.817A>T (p.Ile273Phe)

Gene: ERCC2 (ERCC excision repair 2, TFIIH core complex helicase subunit; minus strand). Cytogenetic location: 19q13.32.
Variant type: single nucleotide variant.
Coding change: c.817A>T on transcript NM_000400.4 (MANE Select); coding-DNA position 817, A replaced by T.
Protein change: p.Ile273Phe; replaces isoleucine 273 with phenylalanine.
Molecular consequence: missense variant.
Genome position (GRCh38, 1-based): chr19:45,364,118, T>A on the plus strand (A>T on the coding strand, the complement: ERCC2 is on the minus strand). VCF-style: chr19-45364118-T-A. GRCh37 (hg19) VCF-style: chr19-45867376-T-A.
Other names: c.745A>T, p.Ile249Phe (NM_001130867.2); short protein forms I249F, I273F.
Identifiers: ClinVar variation 1762307 (VCV001762307.2), dbSNP rs2514030336, ClinGen allele CA406373880.
Genomic context (GRCh38, chr19:45,364,118, plus strand): 5'-GCAGCCCCTCCACCAGACGCCGGTACTCGTCCCGCAGGCGCTGCTCGTCTGTCTCTTTGA[T>A]CCTGCGGAGAGATGAGCTGGGGCTGGGAGGGGGCTGGCAACCCTGGGGACAAGTCAGACA-3'
Protein context (NP_000391.1, residues 263-283): LETLQKTVLR[Ile273Phe]KETDEQRLRD